The following is an entry in ClinVar:

NM_000138.5(FBN1):c.6768T>C (p.His2256=)

Gene: FBN1 (fibrillin 1; minus strand). Cytogenetic location: 15q21.1.
Variant type: single nucleotide variant.
Coding change: c.6768T>C on transcript NM_000138.5 (MANE Select); coding-DNA position 6768, T replaced by C.
Protein change: p.His2256=; no amino-acid change (histidine 2256 retained).
Molecular consequence: synonymous variant.
Genome position (GRCh38, 1-based): chr15:48,430,774, A>G on the plus strand (T>C on the coding strand, the complement: FBN1 is on the minus strand). VCF-style: chr15-48430774-A-G. GRCh37 (hg19) VCF-style: chr15-48722971-A-G.
Identifiers: ClinVar variation 390727 (VCV000390727.18), dbSNP rs1047633779, ClinGen allele CA16607088.

ClinVar aggregate classification (germline): Likely benign. Review status: criteria provided, multiple submitters, no conflicts (2 of 4 stars). 6 submissions from 6 submitters: Likely benign (6). Last evaluated 2025-10-01.

Conditions:
Marfan syndrome (MFS). Also called: Marfan syndrome, classic; Marfan syndrome type 1; Marfan's syndrome; MARFAN SYNDROME, TYPE I; FBN1-Related Marfan Syndrome. Identifiers: Orphanet 284963, Orphanet 558, MedGen C0024796, MONDO:0007947, OMIM 154700.
Familial thoracic aortic aneurysm and aortic dissection (TAAD). Also called: Thoracic aortic aneurysms and dissections. Identifiers: Orphanet 91387, MedGen C4707243, MONDO:0019625.

Allele frequency attached by ClinVar (database versions not stated): gnomAD exomes 0.00001; gnomAD 0.00001 and 0.00002; TOPMed 0.00001.
gnomAD v4.1: 12 of 1,613,768 alleles (0.00074%); highest among the groups gnomAD compares: African/African-American, 0.0013%; no homozygotes.

Submissions (6):

Labcorp Genetics (formerly Invitae), Labcorp
Classification: Likely benign for Marfan syndrome; Familial thoracic aortic aneurysm and aortic dissection. Last evaluated: 2025-10-01. Review status: criteria provided, single submitter. Criteria: Invitae Variant Classification Sherloc (09022015). Collection method: clinical testing. Allele origin: germline.

All of Us Research Program, National Institutes of Health
Classification: Likely benign for Marfan syndrome. Last evaluated: 2024-08-13. Review status: criteria provided, single submitter. Criteria: ACMG Guidelines, 2015. Collection method: clinical testing. Allele origin: germline. Inheritance: Autosomal dominant inheritance. Observed: 7 variant alleles, 7 heterozygotes.
Comment: This study involves interpretation of variants in research participants for the purpose of population health screening. Participant phenotype was not available at the time of variant classification. Additional details can be found in publication PMID: 35346344, PMCID: PMC8962531

Ambry Genetics
Classification: Likely benign for Familial thoracic aortic aneurysm and aortic dissection. Last evaluated: 2022-10-17. Review status: criteria provided, single submitter. Criteria: Ambry Variant Classification Scheme 2023. Collection method: clinical testing. Allele origin: germline.

Women's Health and Genetics/Laboratory Corporation of America, LabCorp
Classification: Likely benign. Last evaluated: 2021-11-29. Review status: criteria provided, single submitter. Criteria: LabCorp Variant Classification Summary - May 2015. Collection method: clinical testing. Allele origin: germline.

Color Diagnostics, LLC DBA Color Health
Classification: Likely benign for Familial thoracic aortic aneurysm and aortic dissection. Last evaluated: 2018-12-03. Review status: criteria provided, single submitter. Criteria: ACMG Guidelines, 2015. Collection method: clinical testing. Allele origin: germline.

GeneDx
Classification: Likely benign. Last evaluated: 2016-11-10. Review status: criteria provided, single submitter. Criteria: GeneDx Variant Classification (06012015). Collection method: clinical testing. Allele origin: germline. Affected: yes.
Comment: This variant is considered likely benign or benign based on one or more of the following criteria: it is a conservative change, it occurs at a poorly conserved position in the protein, it is predicted to be benign by multiple in silico algorithms, and/or has population frequency not consistent with disease.